The following is an entry in ClinVar:

ClinVar aggregate classification (germline): Uncertain significance (1 of 4 stars; one submission).

Submission:

Clinical Genomics Laboratory, Washington University in St. Louis
Classification: Uncertain significance. Last evaluated: 2023-09-13. Review status: criteria provided, single submitter. Criteria: ACMG Guidelines, 2015. Collection method: clinical testing. Allele origin: germline.
Comment: The UBXN7 c.74-1G>A variant, to our knowledge, has not been reported in the medical literature and is absent from the general population (gnomAD v.2.1.1), indicating it is not a common variant. This variant occurs within the canonical splice acceptor site, which is predicted to disrupt splicing and lead to a loss of function effect for the gene product. Due to limited information, the clinical significance of this variant is uncertain.

NM_015562.2(UBXN7):c.74-1G>A

Gene: UBXN7 (UBX domain protein 7; minus strand). Cytogenetic location: 3q29.
Variant type: single nucleotide variant.
Coding change: c.74-1G>A on transcript NM_015562.2 (MANE Select); the canonical splice acceptor site of the intron before coding-DNA position 74, G replaced by A.
Molecular consequence: splice acceptor variant.
Genome position (GRCh38, 1-based): chr3:196,407,394, C>T on the plus strand (G>A on the coding strand, the complement: UBXN7 is on the minus strand). VCF-style: chr3-196407394-C-T. GRCh37 (hg19) VCF-style: chr3-196134265-C-T.
Identifiers: ClinVar variation 2672136 (VCV002672136.1), dbSNP rs2474214862, ClinGen allele CA355602334.